The following is an entry in ClinVar:

NM_001379659.1(ZNF142):c.4691C>G (p.Pro1564Arg)

Gene: ZNF142 (zinc finger protein 142; minus strand). Cytogenetic location: 2q35.
Variant type: single nucleotide variant.
Coding change: c.4691C>G on transcript NM_001379659.1 (MANE Select); coding-DNA position 4691, C replaced by G.
Protein change: p.Pro1564Arg; replaces proline 1564 with arginine.
Molecular consequence: missense variant.
Genome position (GRCh38, 1-based): chr2:218,642,425, G>C on the plus strand (C>G on the coding strand, the complement: ZNF142 is on the minus strand). VCF-style: chr2-218642425-G-C. GRCh37 (hg19) VCF-style: chr2-219507148-G-C.
Other names: c.4691C>G, p.Pro1564Arg (NM_001366290.3, NM_001379660.1, NM_001379661.1); c.4091C>G, p.Pro1364Arg (NM_001366291.3, NM_001105537.5, NM_001379662.1); c.3602C>G, p.Pro1201Arg (NM_001366287.3, NM_001366288.3, NM_001366289.3); c.4691C>G (NM_001366290.1); short protein forms P1201R, P1364R, P1564R.
Identifiers: ClinVar variation 1683280 (VCV001683280.7), dbSNP rs200075933, ClinGen allele CA2108714.

ClinVar aggregate classification (germline): Conflicting classifications of pathogenicity. Review status: criteria provided, conflicting classifications (1 of 4 stars). 5 submissions from 5 submitters: Uncertain significance (3); Likely benign (1). 1 of the submissions does not count toward it. Last evaluated 2026-02-25.

Conditions:
Inborn genetic diseases. Identifiers: MedGen C0950123, MeSH D030342.
ZNF142-related disorder. Also called: ZNF142-related condition.

Allele frequency attached by ClinVar (database versions not stated): TOPMed 0.00028; ESP Exome Variant Server 0.00039.
gnomAD v4.1: 558 of 1,612,964 alleles (0.035%); highest among the groups gnomAD compares: Non-Finnish European, 0.044%; no homozygotes.

Submissions (5):

GeneDx
Classification: Uncertain significance. Last evaluated: 2026-02-25. Review status: criteria provided, single submitter. Criteria: GeneDx Variant Classification Process June 2021. Collection method: clinical testing. Allele origin: germline.
Comment: In silico analysis supports that this missense variant does not alter protein structure/function; This variant is associated with the following publications: (PMID: 36553572)

Blueprint Genetics
Classification: Likely benign. Last evaluated: 2024-10-25. Review status: criteria provided, single submitter. Criteria: ACMG Guidelines, 2015. Collection method: clinical testing. Allele origin: germline.

Women's Health and Genetics/Laboratory Corporation of America, LabCorp
Classification: Uncertain significance. Last evaluated: 2022-04-28. Review status: criteria provided, single submitter. Criteria: LabCorp Variant Classification Summary - May 2015. Collection method: clinical testing. Allele origin: germline.
Comment: Variant summary: ZNF142 c.4091C>G (p.Pro1364Arg) results in a non-conservative amino acid change located in the Zinc finger C2H2-type domain (IPR013087) of the encoded protein sequence. Three of five in-silico tools predict a benign effect of the variant on protein function. The variant allele was found at a frequency of 0.00022 in 247858 control chromosomes (gnomAD). To our knowledge, no occurrence of c.4091C>G in individuals affected with Neurodevelopmental Disorder With Impaired Speech And Hyperkinetic Movements and no experimental evidence demonstrating its impact on protein function have been reported. No clinical diagnostic laboratories have submitted clinical-significance assessments for this variant to ClinVar after 2014. Based on the evidence outlined above, the variant was classified as uncertain significance.

Ambry Genetics
Classification: Uncertain significance for Inborn genetic diseases. Last evaluated: 2022-02-10. Review status: criteria provided, single submitter. Criteria: Ambry Variant Classification Scheme 2023. Collection method: clinical testing. Allele origin: germline.

PreventionGenetics, part of Exact Sciences
Classification: Uncertain significance for ZNF142-related condition. Last evaluated: 2024-03-30. Review status: no assertion criteria provided. Collection method: clinical testing. Allele origin: germline. Not counted in ClinVar's aggregate classification.
Comment: The ZNF142 c.4691C>G variant is predicted to result in the amino acid substitution p.Pro1564Arg. This variant was reported using alternate nomenclature (NM_001105537.4:c.4091C>G; p.Pro1364Arg) along with a second variant (NM_001105537.4:c.1118G>A; p.Arg373His) in an individual with epilepsy and neurodevelopmental delay; however, phase was not established (Jauss et al. 2022. PubMed ID: 36553572). Importantly, gnomAD co-occurrence analysis indicates that these variants reside on the same allele (in cis) the vast majority of the time. The c.4691C>G variant is reported in 0.041% of alleles in individuals of European (Non-Finnish) descent in gnomAD, which is more common than expected for a pathogenic allele. At this time, the clinical significance of this variant is uncertain due to the absence of conclusive functional and genetic evidence.